The following is an entry in ClinVar:

NM_015164.4(PLEKHM2):c.1831-3C>T

Gene: PLEKHM2 (pleckstrin homology and RUN domain containing M2; plus strand). Cytogenetic location: 1p36.21.
Variant type: single nucleotide variant.
Coding change: c.1831-3C>T on transcript NM_015164.4 (MANE Select); 3 bases into the intron before coding-DNA position 1831, C replaced by T.
Molecular consequence: intron variant.
Genome position (GRCh38, 1-based): chr1:15,728,264, C>T. VCF-style: chr1-15728264-C-T. GRCh37 (hg19) VCF-style: chr1-16054759-C-T.
Identifiers: ClinVar variation 1027063 (VCV001027063.7), dbSNP rs562966267, ClinGen allele CA617038.
Genomic context (GRCh38, chr1:15,728,264, plus strand): 5'-GCCACCGCCCCCGCTGGAGCGGCAGGAGCCACCTGCCTGACCCTTGTCTGCTTCGGCCCC[C>T]AGATGATCCGGATGAGCACCGGGCACATGGAGGGCAACCTGCAGCTGCTGTACGTGCTGC-3'

ClinVar aggregate classification (germline): Uncertain significance (1 of 4 stars; one submission).

Allele frequency attached by ClinVar (database versions not stated): 1000 Genomes Project 0.00060; gnomAD below 0.00001 and 0.00003; TOPMed 0.00001; gnomAD exomes 0.00006 and 0.00016; ExAC 0.00019; 1000 Genomes Project 30x 0.00047.
gnomAD v4.1: 92 of 1,613,218 alleles (0.0057%); highest among the groups gnomAD compares: South Asian, 0.09%; 1 homozygote.

Submission:

Labcorp Genetics (formerly Invitae), Labcorp
Classification: Uncertain significance. Last evaluated: 2025-02-05. Review status: criteria provided, single submitter. Criteria: Invitae Variant Classification Sherloc (09022015). Collection method: clinical testing. Allele origin: germline.
Comment: This sequence change falls in intron 10 of the PLEKHM2 gene. It does not directly change the encoded amino acid sequence of the PLEKHM2 protein. It affects a nucleotide within the consensus splice site. This variant is present in population databases (rs562966267, gnomAD 0.1%), and has an allele count higher than expected for a pathogenic variant. This variant has not been reported in the literature in individuals affected with PLEKHM2-related conditions. ClinVar contains an entry for this variant (Variation ID: 1027063). Variants that disrupt the consensus splice site are a relatively common cause of aberrant splicing (PMID: 17576681, 9536098). Algorithms developed to predict the effect of sequence changes on RNA splicing suggest that this variant is not likely to affect RNA splicing. In summary, the available evidence is currently insufficient to determine the role of this variant in disease. Therefore, it has been classified as a Variant of Uncertain Significance.

Literature cited by the submitters: PubMed 17576681; PubMed 9536098.